The following is an entry in ClinVar:

NM_000417.3(IL2RA):c.*1880C>G

Gene: IL2RA (interleukin 2 receptor subunit alpha; minus strand). Cytogenetic location: 10p15.1.
Variant type: single nucleotide variant.
Coding change: c.*1880C>G on transcript NM_000417.3 (MANE Select); 1880 bases downstream of the stop codon, C replaced by G.
Molecular consequence: 3 prime UTR variant.
Genome position (GRCh38, 1-based): chr10:6,010,992, G>C on the plus strand (C>G on the coding strand, the complement: IL2RA is on the minus strand). VCF-style: chr10-6010992-G-C. GRCh37 (hg19) VCF-style: chr10-6052955-G-C.
Other names: c.*1880C>G (NM_001308242.2, NM_001308243.2).
Identifiers: ClinVar variation 300215 (VCV000300215.6), dbSNP rs12722607, ClinGen allele CA10635969.
Genomic context (GRCh38, chr10:6,010,992, plus strand): 5'-TATCTATATTTTCTGGTCTGAGATTCTTTTCAACTTTACTCAGAAAACATATACCTGAAG[G>C]GGGAGGGGGAGAGTGCACAGATGAGTCTGTTTGTATGTGGTTGGTCACAGAAATGACAGA-3'

ClinVar aggregate classification (germline): Benign. Review status: criteria provided, multiple submitters, no conflicts (2 of 4 stars). 2 submissions from 2 submitters: Benign (2). Last evaluated 2018-01-13.

Conditions:
Immunodeficiency due to CD25 deficiency. Also called: IMMUNODEFICIENCY 41 WITH LYMPHOPROLIFERATION AND AUTOIMMUNITY; CD25 DEFICIENCY; IL2RA DEFICIENCY. Identifiers: Orphanet 169100, MedGen C1853392, MONDO:0011664, OMIM 606367.

Allele frequency attached by ClinVar (database versions not stated): 1000 Genomes Project 30x 0.03545; 1000 Genomes Project 0.03594; TOPMed 0.04065; gnomAD 0.04629; gnomAD exomes 0.06716.
gnomAD v4.1: 6,932 of 152,300 alleles (4.6%); highest among the groups gnomAD compares: Middle Eastern, 6.5%; 183 homozygotes.

Submissions (2):

Illumina Laboratory Services, Illumina
Classification: Benign for Immunodeficiency due to CD25 deficiency. Last evaluated: 2018-01-13. Review status: criteria provided, single submitter. Criteria: ICSL Variant Classification Criteria 13 December 2019. Collection method: clinical testing. Allele origin: germline.
Comment: This variant was observed in the ICSL laboratory as part of a predisposition screen in an ostensibly healthy population. It had not been previously curated by ICSL or reported in the Human Gene Mutation Database (HGMD: prior to June 1st, 2018), and was therefore a candidate for classification through an automated scoring system. Utilizing variant allele frequency, disease prevalence and penetrance estimates, and inheritance mode, an automated score was calculated to assess if this variant is too frequent to cause the disease. Based on the score and internal cut-off values, a variant classified as benign is not then subjected to further curation. The score for this variant resulted in a classification of benign for this disease.

Breakthrough Genomics
Classification: Benign. Review status: criteria provided, single submitter. Criteria: ACMG Guidelines, 2015. Collection method: not provided. Allele origin: germline. Inheritance: Autosomal recessive inheritance. Affected: yes.